The following is an entry in ClinVar:

NM_020975.6(RET):c.984C>T (p.Thr328=)

Gene: RET (ret proto-oncogene; plus strand). Cytogenetic location: 10q11.21.
Variant type: single nucleotide variant.
Coding change: c.984C>T on transcript NM_020975.6 (MANE Select); coding-DNA position 984, C replaced by T.
Protein change: p.Thr328=; no amino-acid change (threonine 328 retained).
Molecular consequence: synonymous variant. On other transcripts: intron variant (25).
Genome position (GRCh38, 1-based): chr10:43,106,492, C>T. VCF-style: chr10-43106492-C-T. GRCh37 (hg19) VCF-style: chr10-43601940-C-T.
Other names: c.984C>T, p.Thr328= (NM_000323.2, NM_001406743.1, NM_001406744.1 and 6 more transcripts); c.222C>T, p.Thr74= (NM_001355216.2); c.855C>T, p.Thr285= (NM_001406761.1, NM_001406762.1, NM_001406764.1 and 1 more transcripts); c.696C>T, p.Thr232= (NM_001406766.1, NM_001406767.1, NM_001406770.1); c.867+1299C>T (NM_001406772.1, NM_001406769.1); c.626-2539C>T (NM_001406773.1, NM_001406771.1); c.625+3863C>T (NM_001406782.1, NM_001406780.1, NM_001406779.1 and 3 more transcripts); c.738+1299C>T (NM_001406774.1); and 5 more.
Identifiers: ClinVar variation 543762 (VCV000543762.15), dbSNP rs1453202992, ClinGen allele CA469023862.

ClinVar aggregate classification (germline): Benign/Likely benign. Review status: criteria provided, multiple submitters, no conflicts (2 of 4 stars). 4 submissions from 4 submitters: Benign (1); Likely benign (3). Last evaluated 2025-11-04.

Conditions:
Multiple endocrine neoplasia, type 2 (MEN2). Identifiers: Orphanet 653, MedGen C4048306, MONDO:0019003. Disease mechanism: gain of function.
Multiple endocrine neoplasia type 2A. Also called: MULTIPLE ENDOCRINE NEOPLASIA, TYPE IIA; PTC SYNDROME; SIPPLE SYNDROME; MEN 2A; MEN-2A syndrome; Pheochromocytoma and amyloid producing medullary thyroid carcinoma. Identifiers: Orphanet 247698, Orphanet 653, MedGen C0025268, MeSH D018813, MONDO:0008234, OMIM 171400.
Hereditary cancer-predisposing syndrome. Also called: Neoplastic Syndromes, Hereditary; Tumor predisposition; Hereditary Cancer Syndrome; Hereditary neoplastic syndrome. Identifiers: Orphanet 140162, MedGen C0027672, MeSH D009386, MONDO:0015356.

Allele frequency attached by ClinVar (database versions not stated): gnomAD below 0.00001 and 0.00001; gnomAD exomes 0.00001.
gnomAD v4.1: 12 of 1,613,658 alleles (0.00074%); highest among the groups gnomAD compares: South Asian, 0.011%; no homozygotes.

Submissions (4):

Labcorp Genetics (formerly Invitae), Labcorp
Classification: Likely benign for Multiple endocrine neoplasia, type 2. Last evaluated: 2025-11-04. Review status: criteria provided, single submitter. Criteria: Invitae Variant Classification Sherloc (09022015). Collection method: clinical testing. Allele origin: germline.

Myriad Genetics, Inc.
Classification: Benign for Multiple endocrine neoplasia type 2A. Last evaluated: 2025-02-25. Review status: criteria provided, single submitter. Criteria: Myriad Autosomal Dominant, Autosomal Recessive and X-Linked Classification Criteria (2023). Collection method: clinical testing. Allele origin: unknown.
Comment: This variant is considered benign. This variant is a silent/synonymous amino acid change and it is not expected to impact splicing.

Blueprint Genetics
Classification: Likely benign. Last evaluated: 2023-10-09. Review status: criteria provided, single submitter. Criteria: ACMG Guidelines, 2015. Collection method: clinical testing. Allele origin: germline.

Ambry Genetics
Classification: Likely benign for Hereditary cancer-predisposing syndrome. Last evaluated: 2022-11-17. Review status: criteria provided, single submitter. Criteria: Ambry Variant Classification Scheme 2023. Collection method: clinical testing. Allele origin: germline.